The following is an entry in ClinVar:

NM_003366.4(UQCRC2):c.332+4del

Genes: PDZD9 (PDZ domain containing 9), UQCRC2 (ubiquinol-cytochrome c reductase core protein 2). Cytogenetic location: 16p12.2.
Variant type: Deletion.
Coding change: c.332+4del on transcript NM_003366.4 (MANE Select); 4 bases into the intron after coding-DNA position 332, one base deleted.
Molecular consequence: splice donor variant.
Genome position: GRCh38 VCF-style: chr16-21958600-GT-G. GRCh37 (hg19) VCF-style: chr16-21969921-GT-G.
Other names: NC_000016.9:g.21969924del.
Identifiers: ClinVar variation 4282102 (VCV004282102.1).
Genomic context (GRCh38, chr16:21,958,600, plus strand): 5'-AAAAGGAGCTTCATCTTTCAAGATAACCCGTGGAATTGAAGCAGTTGGTGGCAAATTAAG[GT>G]TTGTTAAATAAGTAATAGAAAATAGTGAAAATGCCAGAAAATATTCAATTTTAAGGGAAC-3'

ClinVar aggregate classification (germline): Uncertain significance (1 of 4 stars; one submission).

Submissions (2):

GeneDx
Classification: Uncertain significance. Last evaluated: 2025-04-11. Review status: criteria provided, single submitter. Criteria: GeneDx Variant Classification Process June 2021. Collection method: clinical testing. Allele origin: germline. Affected: yes.
Comment: Not observed at significant frequency in large population cohorts (gnomAD); In silico analysis supports a deleterious effect on splicing; Has not been previously published as pathogenic or benign to our knowledge

Dr. Peter K. Rogan Lab, Western University
No classification provided (evidence only). Condition: Hepatocellular carcinoma. Review status: no classification provided. Collection method: in vitro. Allele origin: not applicable. Functional consequence: retained intron. Not counted in ClinVar's aggregate classification.